The following is an entry in ClinVar:

ClinVar aggregate classification (germline): Uncertain significance (1 of 4 stars; one submission).

Submission:

Labcorp Genetics (formerly Invitae), Labcorp
Classification: Uncertain significance. Last evaluated: 2022-03-15. Review status: criteria provided, single submitter. Criteria: Invitae Variant Classification Sherloc (09022015). Collection method: clinical testing. Allele origin: germline.
Comment: In summary, the available evidence is currently insufficient to determine the role of this variant in disease. Therefore, it has been classified as a Variant of Uncertain Significance. Algorithms developed to predict the effect of missense changes on protein structure and function (SIFT, PolyPhen-2, Align-GVGD) all suggest that this variant is likely to be disruptive. This variant has not been reported in the literature in individuals affected with MPDZ-related conditions. This variant is not present in population databases (gnomAD no frequency). This sequence change replaces arginine, which is basic and polar, with leucine, which is neutral and non-polar, at codon 750 of the MPDZ protein (p.Arg750Leu).

NM_001378778.1(MPDZ):c.2249G>T (p.Arg750Leu)

Gene: MPDZ (multiple PDZ domain crumbs cell polarity complex component; minus strand). Cytogenetic location: 9p23.
Variant type: single nucleotide variant.
Coding change: c.2249G>T on transcript NM_001378778.1 (MANE Select); coding-DNA position 2249, G replaced by T.
Protein change: p.Arg750Leu; replaces arginine 750 with leucine.
Molecular consequence: missense variant.
Genome position (GRCh38, 1-based): chr9:13,188,899, C>A on the plus strand (G>T on the coding strand, the complement: MPDZ is on the minus strand). VCF-style: chr9-13188899-C-A. GRCh37 (hg19) VCF-style: chr9-13188898-C-A.
Other names: c.2249G>T, p.Arg750Leu (NM_001261406.2, NM_001261407.2, NM_001375424.1 and 14 more transcripts); short protein forms R750L.
Identifiers: ClinVar variation 2112435 (VCV002112435.4), dbSNP rs200354237, ClinGen allele CA372937596.
Genomic context (GRCh38, chr9:13,188,899, plus strand): 5'-GCTTCTACAGCTTCCTCAAGACTGCTGTTTTCCAAGTTAACATCGTTTACAAACATGAGT[C>A]GGTCACCAGGAAGAAGTCGTCCATCCTTTTCAGCAATGCCGCCAGGCACCAAAGAACGAA-3'
Protein context (NP_001365707.1, residues 740-760): EKDGRLLPGD[Arg750Leu]LMFVNDVNLE